The following is an entry in ClinVar:

ClinVar aggregate classification (germline): Conflicting classifications of pathogenicity. Review status: criteria provided, conflicting classifications (1 of 4 stars). 5 submissions from 5 submitters: Uncertain significance (1); Likely benign (4). Last evaluated 2026-08-01.

Conditions:
Autosomal dominant familial hematuria-retinal arteriolar tortuosity-contractures syndrome. Also called: Hereditary Angiopathy with Nephropathy, Aneurysms, and Muscle Cramps (HANAC) Syndrome; Angiopathy, hereditary, with nephropathy, aneurysms, and muscle cramps. Identifiers: Orphanet 73229, MedGen C2673195, MONDO:0012726, OMIM 611773.
Hemorrhage, intracerebral, susceptibility to (ICH). Also called: Stroke, hemorrhagic, susceptibility to. Identifiers: MedGen C3281105, MONDO:0100533, OMIM 614519.
Retinal arterial tortuosity. Also called: RETINAL HEMORRHAGE WITH VASCULAR TORTUOSITY; Retinal arteries, tortuosity of. Identifiers: Orphanet 75326, MedGen C0423401, MONDO:0008373, OMIM 180000, HP:0000631.
Microangiopathy and leukoencephalopathy, pontine, autosomal dominant. Also called: Pontine autosomal dominant microangiopathy with leukoencephalopathy; DEMENTIA, HEREDITARY MULTI-INFARCT, SWEDISH TYPE. Identifiers: Orphanet 477749, MedGen C5231411, MONDO:0032814, OMIM 618564.
Brain small vessel disease 1 with or without ocular anomalies (BSVD1). Also called: GOULD SYNDROME 1; PORENCEPHALY, TYPE 1, AUTOSOMAL DOMINANT; BRAIN SMALL VESSEL DISEASE WITH HEMORRHAGE; Brain small vessel disease with or without ocular anomalies. Identifiers: Orphanet 2940, Orphanet 36383, Orphanet 99810, MedGen C4755307, MONDO:0008289, OMIM 175780.
COL4A1-related disorder. Also called: COL4A1-related condition; COL4A1-related disorders. Identifiers: MedGen CN376119, MONDO:0800461.

Allele frequency attached by ClinVar (database versions not stated): gnomAD 0.00004; gnomAD exomes 0.00009 and 0.00020; TOPMed 0.00013; ExAC 0.00016.
gnomAD v4.1: 62 of 1,613,978 alleles (0.0038%); highest among the groups gnomAD compares: Admixed American, 0.1%; no homozygotes.

Submissions (5):

CeGaT Center for Human Genetics Tuebingen
Classification: Likely benign. Last evaluated: 2026-08-01. Review status: criteria provided, single submitter. Criteria: CeGaT Center For Human Genetics Tuebingen Variant Classification Criteria Version 2. Collection method: clinical testing. Allele origin: germline. Affected: yes. Observed: 2 variant alleles.
Comment: COL4A1: PM5, BS1

Labcorp Genetics (formerly Invitae), Labcorp
Classification: Likely benign. Last evaluated: 2026-01-19. Review status: criteria provided, single submitter. Criteria: Invitae Variant Classification Sherloc (09022015). Collection method: clinical testing. Allele origin: germline.

PreventionGenetics, part of Exact Sciences
Classification: Likely benign for COL4A1-related condition. Last evaluated: 2025-02-07. Review status: criteria provided, single submitter. Criteria: ACMG Guidelines, 2015. Collection method: clinical testing. Allele origin: germline.
Comment: This variant is classified as likely benign based on ACMG/AMP sequence variant interpretation guidelines (Richards et al. 2015 PMID: 25741868, with internal and published modifications).

GeneDx
Classification: Uncertain significance. Last evaluated: 2025-01-22. Review status: criteria provided, single submitter. Criteria: GeneDx Variant Classification Process June 2021. Collection method: clinical testing. Allele origin: germline.
Comment: Has not been previously published as pathogenic or benign to our knowledge; In silico analysis supports that this missense variant has a deleterious effect on protein structure/function

Fulgent Genetics
Classification: Likely benign for Brain small vessel disease 1 with or without ocular anomalies; Retinal arterial tortuosity; Autosomal dominant familial hematuria-retinal arteriolar tortuosity-contractures syndrome; Hemorrhage, intracerebral, susceptibility to; Microangiopathy and leukoencephalopathy, pontine, autosomal dominant. Last evaluated: 2021-11-25. Review status: criteria provided, single submitter. Criteria: ACMG Guidelines, 2015. Collection method: clinical testing. Allele origin: unknown.

NM_001845.6(COL4A1):c.2704C>T (p.Pro902Ser)

Gene: COL4A1 (collagen type IV alpha 1 chain; minus strand). Cytogenetic location: 13q34.
Variant type: single nucleotide variant.
Coding change: c.2704C>T on transcript NM_001845.6 (MANE Select); coding-DNA position 2704, C replaced by T.
Protein change: p.Pro902Ser; replaces proline 902 with serine.
Molecular consequence: missense variant.
Genome position (GRCh38, 1-based): chr13:110,177,854, G>A on the plus strand (C>T on the coding strand, the complement: COL4A1 is on the minus strand). VCF-style: chr13-110177854-G-A. GRCh37 (hg19) VCF-style: chr13-110830201-G-A.
Other names: c.2704C>T (NM_001845.4); short protein forms P902S.
Identifiers: ClinVar variation 772969 (VCV000772969.15), dbSNP rs779350720, ClinGen allele CA7047513.
Genomic context (GRCh38, chr13:110,177,854, plus strand): 5'-TCGAGAAATAGACACAAAATGAGCTTCTAGGGTTATCAGCTCCCCTACCTTTTTCACCCG[G>A]TAATCCAGGAGCACCCACTGGTCCTGGTGAGCCCGGCTGCCCGGGGGTCCCCATGACGCC-3'
Protein context (NP_001836.3, residues 892-912): SPGPVGAPGL[Pro902Ser]GEKGDHGFPG